The following is an entry in ClinVar:

NM_201548.5(CERKL):c.824C>T (p.Ser275Phe)

Gene: CERKL (CERK like autophagy regulator; minus strand). Cytogenetic location: 2q31.3.
Variant type: single nucleotide variant.
Coding change: c.824C>T on transcript NM_201548.5 (MANE Select); coding-DNA position 824, C replaced by T.
Protein change: p.Ser275Phe; replaces serine 275 with phenylalanine.
Molecular consequence: missense variant. On other transcripts: non-coding transcript variant (2).
Genome position (GRCh38, 1-based): chr2:181,549,705, G>A on the plus strand (C>T on the coding strand, the complement: CERKL is on the minus strand). VCF-style: chr2-181549705-G-A. GRCh37 (hg19) VCF-style: chr2-182414432-G-A.
Other names: c.902C>T, p.Ser301Phe (NM_001030311.3); c.485C>T, p.Ser162Phe (NM_001030312.3); c.617C>T, p.Ser206Phe (NM_001030313.3); c.770C>T, p.Ser257Phe (NM_001160277.2); c.902C>T (NM_001030311.2); short protein forms S162F, S206F, S257F, S275F, S301F.
Identifiers: ClinVar variation 1053734 (VCV001053734.10), dbSNP rs765183381, ClinGen allele CA2010648.

ClinVar aggregate classification (germline): Uncertain significance. Review status: criteria provided, single submitter (1 of 4 stars). 2 submissions from 2 submitters: Uncertain significance (1). 1 of the submissions does not count toward it. Last evaluated 2020-08-17.

Conditions:
Retinitis pigmentosa 26 (RP26). Identifiers: Orphanet 791, MedGen C1842127, MONDO:0012024, OMIM 608380.

Allele frequency attached by ClinVar (database versions not stated): ExAC 0.00001.
gnomAD v4.1: 1 of 1,609,752 alleles (0.000062%); highest among the groups gnomAD compares: Non-Finnish European, 0.000085%; no homozygotes.

Submissions (2):

Labcorp Genetics (formerly Invitae), Labcorp
Classification: Uncertain significance. Last evaluated: 2020-08-17. Review status: criteria provided, single submitter. Criteria: Invitae Variant Classification Sherloc (09022015). Collection method: clinical testing. Allele origin: germline.
Comment: This sequence change replaces serine with phenylalanine at codon 301 of the CERKL protein (p.Ser301Phe). The serine residue is highly conserved and there is a large physicochemical difference between serine and phenylalanine. This variant is present in population databases (rs765183381, ExAC 0.002%). This variant has not been reported in the literature in individuals with CERKL-related conditions. Algorithms developed to predict the effect of missense changes on protein structure and function are either unavailable or do not agree on the potential impact of this missense change (SIFT: "Deleterious"; PolyPhen-2: "Probably Damaging"; Align-GVGD: "Class C0"). In summary, the available evidence is currently insufficient to determine the role of this variant in disease. Therefore, it has been classified as a Variant of Uncertain Significance.

Natera, Inc.
Classification: Uncertain significance for Retinitis Pigmentosa 26. Last evaluated: 2025-02-04. Review status: no assertion criteria provided. Collection method: clinical testing. Allele origin: germline. Not counted in ClinVar's aggregate classification.